The following is an entry in ClinVar:

NM_001171613.2(PREPL):c.703-8C>G

Gene: PREPL (prolyl endopeptidase like; minus strand). Cytogenetic location: 2p21.
Variant type: single nucleotide variant.
Coding change: c.703-8C>G on transcript NM_001171613.2 (MANE Select); 8 bases into the intron before coding-DNA position 703, C replaced by G.
Molecular consequence: intron variant.
Genome position (GRCh38, 1-based): chr2:44,338,544, G>C on the plus strand (C>G on the coding strand, the complement: PREPL is on the minus strand). VCF-style: chr2-44338544-G-C. GRCh37 (hg19) VCF-style: chr2-44565683-G-C.
Other names: p.?; c.703-8C>G (NM_001171617.1, NM_001374277.1); c.970-8C>G (NM_001171603.1, NM_001374275.1, NM_001374276.1 and 3 more transcripts); c.969+603C>G (NM_001042385.2).
Identifiers: ClinVar variation 4684566 (VCV004684566.1).

ClinVar aggregate classification (germline): Likely benign (1 of 4 stars; one submission).

gnomAD v4.1: 4 of 1,593,542 alleles (0.00025%); highest among the groups gnomAD compares: African/African-American, 0.0041%; no homozygotes.

Submission:

Mayo Clinic Laboratories, Mayo Clinic
Classification: Likely benign. Last evaluated: 2025-07-17. Review status: criteria provided, single submitter. Criteria: ACMG Guidelines, 2015. Collection method: clinical testing. Allele origin: germline. Observed: 1 variant allele.
Comment: BP4, BP7